The following is an entry in ClinVar:

ClinVar aggregate classification (germline): Likely benign. Review status: criteria provided, single submitter (1 of 4 stars). 2 submissions from 2 submitters: Likely benign (1). 1 of the submissions does not count toward it. Last evaluated 2022-10-17.

Conditions:
Epileptic encephalopathy. Identifiers: MedGen C0543888, HP:0200134.
RYR3-related disorder. Also called: RYR3-related condition.

Allele frequency attached by ClinVar (database versions not stated): gnomAD exomes below 0.00001 and 0.00001; TOPMed below 0.00001; gnomAD 0.00001.

Submissions (2):

Labcorp Genetics (formerly Invitae), Labcorp
Classification: Likely benign for Epileptic encephalopathy. Last evaluated: 2022-10-17. Review status: criteria provided, single submitter. Criteria: Invitae Variant Classification Sherloc (09022015). Collection method: clinical testing. Allele origin: germline.

PreventionGenetics, part of Exact Sciences
Classification: Likely benign for RYR3-related condition. Last evaluated: 2020-06-08. Review status: no assertion criteria provided. Collection method: clinical testing. Allele origin: germline. Not counted in ClinVar's aggregate classification.
Comment: This variant is classified as likely benign based on ACMG/AMP sequence variant interpretation guidelines (Richards et al. 2015 PMID: 25741868, with internal and published modifications).

NM_001036.6(RYR3):c.1574-11_1574-9del

Gene: RYR3 (ryanodine receptor 3; plus strand). Cytogenetic location: 15q14.
Variant type: Deletion.
Coding change: c.1574-11_1574-9del on transcript NM_001036.6 (MANE Select); 11 bases into the intron before coding-DNA position 1574 through 9 bases into the intron before coding-DNA position 1574, 3 bases deleted (CTT; older notation c.1574-11_1574-9delCTT).
Molecular consequence: intron variant.
Genome position (GRCh38, 1-based): chr15:33,584,384-33,584,386, CTT deleted. VCF-style (leftmost placement, unchanged base first): chr15-33584383-CCTT-C. GRCh37 (hg19) VCF-style: chr15-33876584-CCTT-C.
Other names: c.1574-11_1574-9del (NM_001243996.4); c.1574-11_1574-9delCTT (NM_001036.4).
Identifiers: ClinVar variation 1140609 (VCV001140609.11), dbSNP rs1421701855, ClinGen allele CA617153678.
Genomic context (GRCh38, chr15:33,584,383, plus strand): 5'-ACAGCTTTCCAAGTTCTCACGCCCATCATTATATCCTTTAACCTCTATGATCAAACATCT[CCTT>C]GTTTGCAGCTGCTCTCATTCGCGGAAACAGAAACAATTGCGCTCAATTCTCCAATAACCT-3'